The following is an entry in ClinVar:

ClinVar aggregate classification (germline): Uncertain significance. Review status: criteria provided, multiple submitters, no conflicts (2 of 4 stars). 2 submissions from 2 submitters: Uncertain significance (2). Last evaluated 2025-11-21.

Conditions:
Worth disease. Also called: ENDOSTEAL HYPEROSTOSIS, AUTOSOMAL DOMINANT; OSTEOSCLEROSIS, AUTOSOMAL DOMINANT; Autosomal dominant osteosclerosis, Worth type. Identifiers: Orphanet 2790, MedGen C0432273, MONDO:0007764, OMIM 144750.
Autosomal dominant osteopetrosis 1 (OPTA1). Also called: OSTEOPETROSIS, AUTOSOMAL DOMINANT, TYPE I. Identifiers: Orphanet 2783, MedGen C1843330, MONDO:0011877, OMIM 607634.
Bone mineral density quantitative trait locus 1 (BMND1). Identifiers: MedGen C1866079, OMIM 601884.
Osteoporosis with pseudoglioma (OPPG). Also called: osteoporosis-pseudoglioma syndrome. Identifiers: Orphanet 2788, MedGen C0432252, MONDO:0009820, OMIM 259770.
Polycystic liver disease 4 with or without kidney cysts. Identifiers: MedGen C4693479, MONDO:0044327, OMIM 617875.
Exudative vitreoretinopathy 4 (EVR4). Identifiers: Orphanet 891, MedGen C1866176, MONDO:0011151, OMIM 601813.

Allele frequency attached by ClinVar (database versions not stated): TOPMed below 0.00001; gnomAD 0.00001; gnomAD exomes 0.00001; ExAC 0.00003.
gnomAD v4.1: 10 of 1,613,108 alleles (0.00062%); highest among the groups gnomAD compares: South Asian, 0.0044%; no homozygotes.

Submissions (2):

Labcorp Genetics (formerly Invitae), Labcorp
Classification: Uncertain significance. Last evaluated: 2025-11-21. Review status: criteria provided, single submitter. Criteria: Invitae Variant Classification Sherloc (09022015). Collection method: clinical testing. Allele origin: germline.
Comment: This sequence change replaces serine, which is neutral and polar, with leucine, which is neutral and non-polar, at codon 32 of the LRP5 protein (p.Ser32Leu). This variant is present in population databases (rs755388709, gnomAD 0.01%). This variant has not been reported in the literature in individuals affected with LRP5-related conditions. ClinVar contains an entry for this variant (Variation ID: 2414703). Invitae Evidence Modeling of protein sequence and biophysical properties (such as structural, functional, and spatial information, amino acid conservation, physicochemical variation, residue mobility, and thermodynamic stability) has been performed for this missense variant. However, the output from this modeling did not meet the statistical confidence thresholds required to predict the impact of this variant on LRP5 protein function. In summary, the available evidence is currently insufficient to determine the role of this variant in disease. Therefore, it has been classified as a Variant of Uncertain Significance.

Fulgent Genetics
Classification: Uncertain significance for Worth disease; Osteoporosis with pseudoglioma; Exudative vitreoretinopathy 4; Bone mineral density quantitative trait locus 1; Autosomal dominant osteopetrosis 1; Polycystic liver disease 4 with or without kidney cysts. Last evaluated: 2024-05-29. Review status: criteria provided, single submitter. Criteria: ACMG Guidelines, 2015. Collection method: clinical testing. Allele origin: germline.

NM_002335.4(LRP5):c.95C>T (p.Ser32Leu)

Gene: LRP5 (LDL receptor related protein 5; plus strand). Cytogenetic location: 11q13.2.
Variant type: single nucleotide variant.
Coding change: c.95C>T on transcript NM_002335.4 (MANE Select); coding-DNA position 95, C replaced by T.
Protein change: p.Ser32Leu; replaces serine 32 with leucine.
Molecular consequence: missense variant. On other transcripts: 5 prime UTR variant (1).
Genome position (GRCh38, 1-based): chr11:68,347,850, C>T. VCF-style: chr11-68347850-C-T. GRCh37 (hg19) VCF-style: chr11-68115318-C-T.
Other names: c.-1671C>T (NM_001291902.2); short protein forms S32L.
Identifiers: ClinVar variation 2414703 (VCV002414703.7), dbSNP rs755388709, ClinGen allele CA6148903.